The following is an entry in ClinVar:

NM_001104631.2(PDE4D):c.863T>C (p.Leu288Pro)

Gene: PDE4D (phosphodiesterase 4D; minus strand). Cytogenetic location: 5q11.2.
Variant type: single nucleotide variant.
Coding change: c.863T>C on transcript NM_001104631.2 (MANE Select); coding-DNA position 863, T replaced by C.
Protein change: p.Leu288Pro; replaces leucine 288 with proline.
Molecular consequence: missense variant. On other transcripts: 5 prime UTR variant (2).
Genome position (GRCh38, 1-based): chr5:59,038,917, A>G on the plus strand (T>C on the coding strand, the complement: PDE4D is on the minus strand). VCF-style: chr5-59038917-A-G. GRCh37 (hg19) VCF-style: chr5-58334744-A-G.
Other names: c.680T>C, p.Leu227Pro (NM_001165899.2, NM_001364599.1); c.671T>C, p.Leu224Pro (NM_001197218.2); c.497T>C, p.Leu166Pro (NM_001197219.2); c.473T>C, p.Leu158Pro (NM_001197220.2); c.-44T>C (NM_001197221.2, NM_001364603.1); c.191T>C, p.Leu64Pro (NM_001197222.2); c.650T>C, p.Leu217Pro (NM_001349241.2); c.533T>C, p.Leu178Pro (NM_001349242.2); and 2 more; short protein forms L152P, L158P, L166P, L178P, L217P, L224P, L227P, L288P.
Identifiers: ClinVar variation 3382924 (VCV003382924.2).

ClinVar aggregate classification (germline): Uncertain significance (1 of 4 stars; one submission).

Conditions:
Acrodysostosis 2 with or without hormone resistance. Also called: ACRODYSOSTOSIS 2 WITHOUT HORMONE RESISTANCE; ACRODYSOSTOSIS 2 WITH HORMONE RESISTANCE. Identifiers: Orphanet 280651, MedGen C3553250, MONDO:0013822, OMIM 614613.

Submission:

Juno Genomics, Hangzhou Juno Genomics, Inc
Classification: Uncertain significance for Acrodysostosis 2 with or without hormone resistance. Review status: criteria provided, single submitter. Criteria: ACMG Guidelines, 2015. Collection method: clinical testing. Allele origin: germline. Affected: yes.
Comment: Absent from controls (or at extremely low frequency if recessive) in Genome Aggregation Database, Exome Sequencing Project, 1000 Genomes Project, or Exome Aggregation Consortium.;Multiple lines of computational evidence support a deleterious effect on the gene or gene product (conservation, evolutionary, splicing impact, etc).;Patient's phenotype or family history is highly specific for a disease with a single genetic etiology.;Assumed de novo, but without confirmation of paternity and maternity.